The following is an entry in ClinVar:

NM_001009944.3(PKD1):c.8936T>C (p.Phe2979Ser)

Gene: PKD1 (polycystin 1, transient receptor potential channel interacting; minus strand). Cytogenetic location: 16p13.3.
Variant type: single nucleotide variant.
Coding change: c.8936T>C on transcript NM_001009944.3 (MANE Select); coding-DNA position 8936, T replaced by C.
Protein change: p.Phe2979Ser; replaces phenylalanine 2979 with serine.
Molecular consequence: missense variant.
Genome position (GRCh38, 1-based): chr16:2,102,826, A>G on the plus strand (T>C on the coding strand, the complement: PKD1 is on the minus strand). VCF-style: chr16-2102826-A-G. GRCh37 (hg19) VCF-style: chr16-2152827-A-G.
Other names: c.8936T>C, p.Phe2979Ser (NM_000296.4); short protein forms F2979S.
Identifiers: ClinVar variation 3579142 (VCV003579142.2).

ClinVar aggregate classification (germline): Uncertain significance. Review status: criteria provided, multiple submitters, no conflicts (2 of 4 stars). 2 submissions from 2 submitters: Uncertain significance (2). Last evaluated 2025-06-10.

Conditions:
Polycystic kidney disease, adult type (PKD1). Also called: Polycystic Kidney Disease 1, Autosomal Dominant; Polycystic kidney disease 1; Polycystic kidney disease 1, severe; POLYCYSTIC KIDNEY DISEASE 1 WITH OR WITHOUT POLYCYSTIC LIVER DISEASE; POLYCYSTIC KIDNEY DISEASE, ADULT, TYPE I; Polycystic Kidney, Autosomal Dominant. Identifiers: MedGen C3149841, MONDO:0008263, OMIM 173900.

gnomAD v4.1: 1 of 1,610,064 alleles (0.000062%); highest among the groups gnomAD compares: Non-Finnish European, 0.000085%; no homozygotes.

Submissions (2):

Women's Health and Genetics/Laboratory Corporation of America, LabCorp
Classification: Uncertain significance. Last evaluated: 2025-06-10. Review status: criteria provided, single submitter. Criteria: LabCorp Variant Classification Summary - May 2015. Collection method: clinical testing. Allele origin: germline.
Comment: Variant summary: PKD1 c.8936T>C (p.Phe2979Ser) results in a non-conservative amino acid change in the encoded protein sequence. Algorithms developed to predict the effect of missense changes on protein structure and function are either unavailable or do not agree on the potential impact of this missense change. The variant was absent in 248418 control chromosomes. The available data on variant occurrences in the general population are insufficient to allow any conclusion about variant significance. To our knowledge, no occurrence of c.8936T>C in individuals affected with PKD1-Biallelic Autosomal Recessive Polycystic Kidney Disease and no experimental evidence demonstrating its impact on protein function have been reported. ClinVar contains an entry for this variant (Variation ID: 3579142). Based on the evidence outlined above, the variant was classified as uncertain significance.

Fulgent Genetics
Classification: Uncertain significance for Polycystic kidney disease, adult type. Last evaluated: 2024-01-05. Review status: criteria provided, single submitter. Criteria: ACMG Guidelines, 2015. Collection method: clinical testing. Allele origin: germline.